The following is an entry in ClinVar:

ClinVar aggregate classification (germline): Uncertain significance. Review status: criteria provided, multiple submitters, no conflicts (2 of 4 stars). 2 submissions from 2 submitters: Uncertain significance (2). Last evaluated 2025-01-27.

Conditions:
Immunodeficiency 39 (IMD39). Identifiers: Orphanet 574918, MedGen C4225358, MONDO:0014597, OMIM 616345.

Allele frequency attached by ClinVar (database versions not stated): gnomAD exomes 0.00001; TOPMed 0.00001; ExAC 0.00002.

Submissions (2):

Ambry Genetics
Classification: Uncertain significance. Last evaluated: 2025-01-27. Review status: criteria provided, single submitter. Criteria: Ambry Variant Classification Scheme 2023. Collection method: clinical testing. Allele origin: germline.

Labcorp Genetics (formerly Invitae), Labcorp
Classification: Uncertain significance for Immunodeficiency 39. Last evaluated: 2024-11-05. Review status: criteria provided, single submitter. Criteria: Invitae Variant Classification Sherloc (09022015). Collection method: clinical testing. Allele origin: germline.
Comment: This sequence change replaces threonine, which is neutral and polar, with lysine, which is basic and polar, at codon 175 of the IRF7 protein (p.Thr175Lys). This variant is present in population databases (rs766554952, gnomAD 0.003%). This variant has not been reported in the literature in individuals affected with IRF7-related conditions. ClinVar contains an entry for this variant (Variation ID: 953491). An algorithm developed to predict the effect of missense changes on protein structure and function (PolyPhen-2) suggests that this variant is likely to be tolerated. In summary, the available evidence is currently insufficient to determine the role of this variant in disease. Therefore, it has been classified as a Variant of Uncertain Significance.

NM_001572.5(IRF7):c.485C>A (p.Thr162Lys)

Gene: IRF7 (interferon regulatory factor 7; minus strand). Cytogenetic location: 11p15.5.
Variant type: single nucleotide variant.
Coding change: c.485C>A on transcript NM_001572.5 (MANE Select); coding-DNA position 485, C replaced by A.
Protein change: p.Thr162Lys; replaces threonine 162 with lysine.
Molecular consequence: missense variant.
Genome position (GRCh38, 1-based): chr11:614,368, G>T on the plus strand (C>A on the coding strand, the complement: IRF7 is on the minus strand). VCF-style: chr11-614368-G-T. GRCh37 (hg19) VCF-style: chr11-614368-G-T.
Other names: c.485C>A, p.Thr162Lys (NM_004029.4); c.524C>A, p.Thr175Lys (NM_004031.4); short protein forms T162K, T175K.
Identifiers: ClinVar variation 953491 (VCV000953491.9), dbSNP rs766554952, ClinGen allele CA5783932.